The following is an entry in ClinVar:

NM_003055.3(SLC18A3):c.825C>T (p.Asn275=)

Genes: SLC18A3 (solute carrier family 18 member A3; plus strand), CHAT (choline O-acetyltransferase; plus strand). Cytogenetic location: 10q11.23.
Variant type: single nucleotide variant.
Coding change: c.825C>T on transcript NM_003055.3 (MANE Select); coding-DNA position 825, C replaced by T.
Protein change: p.Asn275=; no amino-acid change (asparagine 275 retained).
Molecular consequence: synonymous variant. On other transcripts: intron variant (1).
Genome position (GRCh38, 1-based): chr10:49,611,565, C>T. VCF-style: chr10-49611565-C-T. GRCh37 (hg19) VCF-style: chr10-50819611-C-T.
Other names: c.-69+2366C>T (NM_020984.4).
Identifiers: ClinVar variation 739595 (VCV000739595.10), dbSNP rs145315435, ClinGen allele CA5496848.

ClinVar aggregate classification (germline): Conflicting classifications of pathogenicity. Review status: criteria provided, conflicting classifications (1 of 4 stars). 2 submissions from 2 submitters: Uncertain significance (1); Likely benign (1). Last evaluated 2026-03-21.

Allele frequency attached by ClinVar (database versions not stated): gnomAD 0.00016; gnomAD exomes 0.00018 and 0.00038; TOPMed 0.00013; ExAC 0.00019; ESP Exome Variant Server 0.00031.
gnomAD v4.1: 562 of 1,606,594 alleles (0.035%); highest among the groups gnomAD compares: Non-Finnish European, 0.045%; 1 homozygote.

Submissions (2):

GeneDx
Classification: Uncertain significance. Last evaluated: 2026-03-21. Review status: criteria provided, single submitter. Criteria: GeneDx Variant Classification Process June 2021. Collection method: clinical testing. Allele origin: germline.
Comment: In silico analysis suggests that this variant does not alter splicing; Has not been previously published as pathogenic or benign to our knowledge

Labcorp Genetics (formerly Invitae), Labcorp
Classification: Likely benign. Last evaluated: 2026-02-02. Review status: criteria provided, single submitter. Criteria: Invitae Variant Classification Sherloc (09022015). Collection method: clinical testing. Allele origin: germline.